The following is an entry in ClinVar:

ClinVar aggregate classification (germline): Pathogenic/Likely pathogenic. Review status: criteria provided, multiple submitters, no conflicts (2 of 4 stars). 2 submissions from 2 submitters: Pathogenic (1); Likely pathogenic (1). Last evaluated 2024-09-04.

Conditions:
Smith-Lemli-Opitz syndrome (SLOS). Also called: LETHAL ACRODYSGENITAL SYNDROME; POLYDACTYLY, SEX REVERSAL, RENAL HYPOPLASIA, AND UNILOBAR LUNG; RSH SYNDROME; RUTLEDGE LETHAL MULTIPLE CONGENITAL ANOMALY SYNDROME; 7-Dehydrocholesterol reductase deficiency. Identifiers: Orphanet 818, MedGen C0175694, MONDO:0010035, OMIM 270400.

Submissions (2):

Natera, Inc.
Classification: Likely pathogenic for Smith-Lemli-Opitz syndrome. Last evaluated: 2024-09-04. Review status: criteria provided, single submitter. Criteria: Natera Variant Classification Schema (03/2026). Collection method: clinical testing. Allele origin: germline.
Comment: The c.651C>G variant in DHCR7 is a nonsense variant predicted to introduce a stop codon at amino acid 217. This variant is expected to result in nonsense mediated decay, truncation, or a dysfunctional protein product. This variant is rare in the general population with a frequency below the threshold expected for the associated phenotype(s). Given the available evidence, this variant is classified as Likely Pathogenic.

Labcorp Genetics (formerly Invitae), Labcorp
Classification: Pathogenic for Smith-Lemli-Opitz syndrome. Last evaluated: 2023-01-16. Review status: criteria provided, single submitter. Criteria: Invitae Variant Classification Sherloc (09022015). Collection method: clinical testing. Allele origin: germline.
Comment: This variant is not present in population databases (gnomAD no frequency). This variant has not been reported in the literature in individuals affected with DHCR7-related conditions. Algorithms developed to predict the effect of sequence changes on RNA splicing suggest that this variant may create or strengthen a splice site. For these reasons, this variant has been classified as Pathogenic. This sequence change creates a premature translational stop signal (p.Tyr217*) in the DHCR7 gene. It is expected to result in an absent or disrupted protein product. Loss-of-function variants in DHCR7 are known to be pathogenic (PMID: 9634533, 10677299).

Literature cited by the submitters: PubMed 9634533 (cited by Labcorp Genetics (formerly Invitae), Labcorp); PubMed 10677299 (cited by Labcorp Genetics (formerly Invitae), Labcorp).

NM_001360.3(DHCR7):c.651C>G (p.Tyr217Ter)

Gene: DHCR7 (7-dehydrocholesterol reductase; minus strand). Cytogenetic location: 11q13.4.
Variant type: single nucleotide variant.
Coding change: c.651C>G on transcript NM_001360.3 (MANE Select); coding-DNA position 651, C replaced by G.
Protein change: p.Tyr217Ter; replaces tyrosine 217 with a stop codon.
Molecular consequence: nonsense.
Genome position (GRCh38, 1-based): chr11:71,439,059, G>C on the plus strand (C>G on the coding strand, the complement: DHCR7 is on the minus strand). VCF-style: chr11-71439059-G-C. GRCh37 (hg19) VCF-style: chr11-71150105-G-C.
Other names: c.651C>G, p.Tyr217Ter (NM_001163817.2, NM_001425109.1, NM_001425121.1 and 6 more transcripts); c.702C>G, p.Tyr234Ter (NM_001425107.1); c.687C>G, p.Tyr229Ter (NM_001425108.1); c.591C>G, p.Tyr197Ter (NM_001425113.1); c.555C>G, p.Tyr185Ter (NM_001425114.1, NM_001425116.1); c.477C>G, p.Tyr159Ter (NM_001425117.1); short protein forms Y217*, Y229*, Y197*, Y234*, Y159*, Y185*.
Identifiers: ClinVar variation 2883701 (VCV002883701.4), dbSNP rs749076525, ClinGen allele CA381703659.